The following is an entry in ClinVar:

NM_001081550.2(THOC2):c.3578C>A (p.Pro1193Gln)

Gene: THOC2 (THO complex subunit 2; minus strand). Cytogenetic location: Xq25.
Variant type: single nucleotide variant.
Coding change: c.3578C>A on transcript NM_001081550.2 (MANE Select); coding-DNA position 3578, C replaced by A.
Protein change: p.Pro1193Gln; replaces proline 1193 with glutamine.
Molecular consequence: missense variant.
Genome position (GRCh38, 1-based): chrX:123,623,209, G>T on the plus strand (C>A on the coding strand, the complement: THOC2 is on the minus strand). VCF-style: chrX-123623209-G-T. GRCh37 (hg19) VCF-style: chrX-122757060-G-T.
Other names: short protein forms P1193Q.
Identifiers: ClinVar variation 1704141 (VCV001704141.2), dbSNP rs1248505410, ClinGen allele CA414263764.
Genomic context (GRCh38, chrX:123,623,209, plus strand): 5'-ATTGATGATGAAGAAGGCCCACCACCAGGCCCATTTTGCACACTGGCAACTGCATTCCTC[G>T]GAGGGGGGTCTTTGTGATGAAACTCATTTTCAGGTATCATGTATGACTTTCTACTTTTCA-3'
Protein context (NP_001075019.1, residues 1183-1203): ENEFHHKDPP[Pro1193Gln]RNAVASVQNG

ClinVar aggregate classification (germline): Uncertain significance (1 of 4 stars; one submission).

Submission:

GeneDx
Classification: Uncertain significance. Last evaluated: 2022-08-30. Review status: criteria provided, single submitter. Criteria: GeneDx Variant Classification Process June 2021. Collection method: clinical testing. Allele origin: germline. Affected: yes.
Comment: Not observed at significant frequency in large population cohorts (gnomAD); In silico analysis supports that this missense variant does not alter protein structure/function; Has not been previously published as pathogenic or benign to our knowledge